The following is an entry in ClinVar:

NM_133497.4(KCNV2):c.524G>C (p.Gly175Ala)

Gene: KCNV2 (potassium voltage-gated channel modifier subfamily V member 2; plus strand). Cytogenetic location: 9p24.2.
Variant type: single nucleotide variant.
Coding change: c.524G>C on transcript NM_133497.4 (MANE Select); coding-DNA position 524, G replaced by C.
Protein change: p.Gly175Ala; replaces glycine 175 with alanine.
Molecular consequence: missense variant.
Genome position (GRCh38, 1-based): chr9:2,718,263, G>C. VCF-style: chr9-2718263-G-C. GRCh37 (hg19) VCF-style: chr9-2718263-G-C.
Other names: short protein forms G175A.
Identifiers: ClinVar variation 2079632 (VCV002079632.4), dbSNP rs1199956233, ClinGen allele CA372798282.

ClinVar aggregate classification (germline): Uncertain significance (1 of 4 stars; one submission).

gnomAD v4.1: 1 of 1,612,724 alleles (0.000062%); highest among the groups gnomAD compares: South Asian, 0.0011%; no homozygotes.

Submission:

Labcorp Genetics (formerly Invitae), Labcorp
Classification: Uncertain significance. Last evaluated: 2022-09-07. Review status: criteria provided, single submitter. Criteria: Invitae Variant Classification Sherloc (09022015). Collection method: clinical testing. Allele origin: germline.
Comment: In summary, the available evidence is currently insufficient to determine the role of this variant in disease. Therefore, it has been classified as a Variant of Uncertain Significance. Advanced modeling of protein sequence and biophysical properties (such as structural, functional, and spatial information, amino acid conservation, physicochemical variation, residue mobility, and thermodynamic stability) performed at Invitae indicates that this missense variant is not expected to disrupt KCNV2 protein function. This variant has not been reported in the literature in individuals affected with KCNV2-related conditions. This variant is not present in population databases (gnomAD no frequency). This sequence change replaces glycine, which is neutral and non-polar, with alanine, which is neutral and non-polar, at codon 175 of the KCNV2 protein (p.Gly175Ala).